The following is an entry in ClinVar:

ClinVar aggregate classification (germline): Uncertain significance (1 of 4 stars; one submission).

Conditions:
Hereditary cancer-predisposing syndrome. Also called: Neoplastic Syndromes, Hereditary; Tumor predisposition; Hereditary neoplastic syndrome; Hereditary Cancer Syndrome. Identifiers: Orphanet 140162, MedGen C0027672, MeSH D009386, MONDO:0015356.

Submission:

Ambry Genetics
Classification: Uncertain significance for Hereditary cancer-predisposing syndrome. Last evaluated: 2023-11-14. Review status: criteria provided, single submitter. Criteria: Ambry Variant Classification Scheme 2023. Collection method: clinical testing. Allele origin: germline.
Comment: The p.I227M variant (also known as c.681T>G), located in coding exon 7 of the RB1 gene, results from a T to G substitution at nucleotide position 681. The isoleucine at codon 227 is replaced by methionine, an amino acid with highly similar properties. This amino acid position is conserved. In addition, the in silico prediction for this alteration is inconclusive. Since supporting evidence is limited at this time, the clinical significance of this alteration remains unclear.

NM_000321.3(RB1):c.681T>G (p.Ile227Met)

Gene: RB1 (RB transcriptional corepressor 1; plus strand). Cytogenetic location: 13q14.2.
Variant type: single nucleotide variant.
Coding change: c.681T>G on transcript NM_000321.3 (MANE Select); coding-DNA position 681, T replaced by G.
Protein change: p.Ile227Met; replaces isoleucine 227 with methionine.
Molecular consequence: missense variant.
Genome position (GRCh38, 1-based): chr13:48,360,090, T>G. VCF-style: chr13-48360090-T-G. GRCh37 (hg19) VCF-style: chr13-48934226-T-G.
Other names: c.681T>G, p.Ile227Met (NM_001407165.1, NM_001407166.1); short protein forms I227M.
Identifiers: ClinVar variation 3231247 (VCV003231247.1), dbSNP rs773192598, ClinGen allele CA388158467.